The following is an entry in ClinVar:

ClinVar aggregate classification (germline): Uncertain significance. Review status: criteria provided, multiple submitters, no conflicts (2 of 4 stars). 2 submissions from 2 submitters: Uncertain significance (2). Last evaluated 2025-04-03.

Conditions:
Congenital myasthenic syndrome 8. Also called: Myasthenic syndrome, congenital, 8, with pre- and postsynaptic defects; MYASTHENIC SYNDROME, CONGENITAL, DUE TO AGRIN DEFICIENCY. Identifiers: Orphanet 590, MedGen C3808739, MONDO:0014052, OMIM 615120.

Allele frequency attached by ClinVar (database versions not stated): ExAC 0.00005; gnomAD exomes 0.00007; ESP Exome Variant Server 0.00008; TOPMed 0.00017; gnomAD 0.00013 and 0.00014.
gnomAD v4.1: 83 of 1,599,812 alleles (0.0052%); highest among the groups gnomAD compares: African/African-American, 0.051%; no homozygotes.

Submissions (2):

GeneDx
Classification: Uncertain significance. Last evaluated: 2025-04-03. Review status: criteria provided, single submitter. Criteria: GeneDx Variant Classification Process June 2021. Collection method: clinical testing. Allele origin: germline. Affected: yes.
Comment: In silico analysis indicates that this missense variant does not alter protein structure/function; Has not been previously published as pathogenic or benign to our knowledge

Labcorp Genetics (formerly Invitae), Labcorp
Classification: Uncertain significance for Congenital myasthenic syndrome 8. Last evaluated: 2023-08-24. Review status: criteria provided, single submitter. Criteria: Invitae Variant Classification Sherloc (09022015). Collection method: clinical testing. Allele origin: germline.
Comment: In summary, the available evidence is currently insufficient to determine the role of this variant in disease. Therefore, it has been classified as a Variant of Uncertain Significance. Algorithms developed to predict the effect of missense changes on protein structure and function output the following: SIFT: "Not Available"; PolyPhen-2: "Benign"; Align-GVGD: "Not Available". The methionine amino acid residue is found in multiple mammalian species, which suggests that this missense change does not adversely affect protein function. ClinVar contains an entry for this variant (Variation ID: 578463). This variant has not been reported in the literature in individuals affected with AGRN-related conditions. This variant is present in population databases (rs372918766, gnomAD 0.07%). This sequence change replaces valine, which is neutral and non-polar, with methionine, which is neutral and non-polar, at codon 1505 of the AGRN protein (p.Val1505Met).

NM_198576.4(AGRN):c.4513G>A (p.Val1505Met)

Gene: AGRN (agrin; plus strand). Cytogenetic location: 1p36.33.
Variant type: single nucleotide variant.
Coding change: c.4513G>A on transcript NM_198576.4 (MANE Select); coding-DNA position 4513, G replaced by A.
Protein change: p.Val1505Met; replaces valine 1505 with methionine.
Molecular consequence: missense variant.
Genome position (GRCh38, 1-based): chr1:1,049,450, G>A. VCF-style: chr1-1049450-G-A. GRCh37 (hg19) VCF-style: chr1-984830-G-A.
Other names: c.4513G>A, p.Val1505Met (NM_001305275.2); c.4198G>A, p.Val1400Met (NM_001364727.2); short protein forms V1505M, V1400M.
Identifiers: ClinVar variation 578463 (VCV000578463.9), dbSNP rs372918766, ClinGen allele CA509483.